The following is an entry in ClinVar:

ClinVar aggregate classification (germline): Likely benign (1 of 4 stars; one submission).

Allele frequency attached by ClinVar (database versions not stated): ESP Exome Variant Server 0.00057; 1000 Genomes Project 30x 0.00094; 1000 Genomes Project 0.00100.
gnomAD v4.1: 259 of 1,568,584 alleles (0.017%); highest among the groups gnomAD compares: African/African-American, 0.29%; no homozygotes.

Submission:

CeGaT Center for Human Genetics Tuebingen
Classification: Likely benign. Last evaluated: 2022-05-01. Review status: criteria provided, single submitter. Criteria: CeGaT Center For Human Genetics Tuebingen Variant Classification Criteria Version 2. Collection method: clinical testing. Allele origin: germline. Affected: yes. Observed: 1 variant allele.
Comment: PCNX2: BP4, BP7

NM_014801.4(PCNX2):c.6039C>A (p.Ala2013=)

Gene: PCNX2 (pecanex 2; minus strand). Cytogenetic location: 1q42.2.
Variant type: single nucleotide variant.
Coding change: c.6039C>A on transcript NM_014801.4 (MANE Select); coding-DNA position 6039, C replaced by A.
Protein change: p.Ala2013=; no amino-acid change (alanine 2013 retained).
Molecular consequence: synonymous variant.
Genome position (GRCh38, 1-based): chr1:232,986,293, G>T on the plus strand (C>A on the coding strand, the complement: PCNX2 is on the minus strand). VCF-style: chr1-232986293-G-T. GRCh37 (hg19) VCF-style: chr1-233122039-G-T.
Identifiers: ClinVar variation 2640084 (VCV002640084.24), dbSNP rs375933941, ClinGen allele CA1456840.